The following is an entry in ClinVar:

ClinVar aggregate classification (germline): Benign/Likely benign. Review status: criteria provided, multiple submitters, no conflicts (2 of 4 stars). 4 submissions from 3 submitters: Benign (3); Likely benign (1). Last evaluated 2025-09-22.

Conditions:
Cutis laxa, autosomal dominant 1 (ADCL1). Also called: ELN-Related Cutis Laxa. Identifiers: Orphanet 90348, MedGen C3276539, MONDO:0007411, OMIM 123700. Disease mechanism: Dominant Negative.
Supravalvar aortic stenosis (SVAS). Also called: Supravalvar aortic stenosis, Eisenberg type. Identifiers: Orphanet 3193, MedGen C0003499, MONDO:0008504, OMIM 185500, HP:0004381.

Allele frequency attached by ClinVar (database versions not stated): gnomAD 0.00003 and 0.00015; TOPMed 0.00009; gnomAD exomes 0.00030 and 0.00053; ExAC 0.00048; 1000 Genomes Project 30x 0.00062; 1000 Genomes Project 0.00080.
gnomAD v4.1: 455 of 1,614,002 alleles (0.028%); highest among the groups gnomAD compares: South Asian, 0.45%; 10 homozygotes.

Submissions (4):

Labcorp Genetics (formerly Invitae), Labcorp
Classification: Benign for Supravalvar aortic stenosis. Last evaluated: 2025-09-22. Review status: criteria provided, single submitter. Criteria: Invitae Variant Classification Sherloc (09022015). Collection method: clinical testing. Allele origin: germline.

GeneDx
Classification: Likely benign. Last evaluated: 2020-05-11. Review status: criteria provided, single submitter. Criteria: GeneDx Variant Classification Process June 2021. Collection method: clinical testing. Allele origin: germline. Affected: yes.

Illumina Laboratory Services, Illumina
Classification: Benign for Supravalvar aortic stenosis. Last evaluated: 2018-03-06. Review status: criteria provided, single submitter. Criteria: ICSL Variant Classification Criteria 13 December 2019. Collection method: clinical testing. Allele origin: germline.
Comment: This variant was observed in the ICSL laboratory as part of a predisposition screen in an ostensibly healthy population. It had not been previously curated by ICSL or reported in the Human Gene Mutation Database (HGMD: prior to June 1st, 2018), and was therefore a candidate for classification through an automated scoring system. Utilizing variant allele frequency, disease prevalence and penetrance estimates, and inheritance mode, an automated score was calculated to assess if this variant is too frequent to cause the disease. Based on the score and internal cut-off values, a variant classified as benign is not then subjected to further curation. The score for this variant resulted in a classification of benign for this disease.

Illumina Laboratory Services, Illumina
Classification: Benign for Cutis laxa, autosomal dominant 1. Last evaluated: 2018-03-06. Review status: criteria provided, single submitter. Criteria: ICSL Variant Classification Criteria 13 December 2019. Collection method: clinical testing. Allele origin: germline.
Comment: the same text as in the submission from Illumina Laboratory Services, Illumina above.

NM_000501.4(ELN):c.470-5G>A

Gene: ELN (elastin; plus strand). Cytogenetic location: 7q11.23.
Variant type: single nucleotide variant.
Coding change: c.470-5G>A on transcript NM_000501.4 (MANE Select); 5 bases into the intron before coding-DNA position 470, G replaced by A.
Molecular consequence: intron variant.
Genome position (GRCh38, 1-based): chr7:74,045,217, G>A. VCF-style: chr7-74045217-G-A. GRCh37 (hg19) VCF-style: chr7-73459547-G-A.
Other names: c.485-5G>A (NM_001081754.3, NM_001081753.3); c.470-5G>A (NM_001278939.2, NM_001278915.2, NM_001278912.2 and 2 more transcripts); c.434-5G>A (NM_001278913.2); c.455-5G>A (NM_001278914.2); c.440-5G>A (NM_001278917.2, NM_001081752.3); c.439+1297G>A (NM_001278918.2).
Identifiers: ClinVar variation 908140 (VCV000908140.10), dbSNP rs368292481, ClinGen allele CA4292519.